The following is an entry in ClinVar:

ClinVar aggregate classification (germline): Pathogenic (1 of 4 stars; one submission).

Conditions:
46,XY sex reversal 2. Also called: NR0B1-Related 46,XY CGD; NR0B1-related 46,XY complete gonadal dysgenesis; Dosage-sensitive sex reversal; 46,XY SEX REVERSAL, DAX1-RELATED; 46XY sex reversal 2, dosage-sensitive. Identifiers: MedGen C1848296, MONDO:0010226, OMIM 300018.
Congenital adrenal hypoplasia, X-linked (AHC). Also called: Isolated X-Linked Adrenal Hypoplasia Congenita; X-linked AHC; X-Linked Adrenal Hypoplasia Congenita; ADRENAL HYPOPLASIA, CONGENITAL, WITH HYPOGONADOTROPIC HYPOGONADISM. Identifiers: Orphanet 95702, MedGen C0342482, MONDO:0010264, OMIM 300200. Disease mechanism: loss of function.

Submission:

Labcorp Genetics (formerly Invitae), Labcorp
Classification: Pathogenic for Congenital adrenal hypoplasia, X-linked; 46,XY sex reversal 2. Last evaluated: 2017-07-24. Review status: criteria provided, single submitter. Criteria: Invitae Variant Classification Sherloc (09022015). Collection method: clinical testing. Allele origin: germline.
Comment: For these reasons, this variant has been classified as Pathogenic. Loss-of-function variants in NR0B1 are known to be pathogenic (PMID: 7990958, 15841486). This variant has not been reported in the literature in individuals with NR0B1-related disease. This variant is not present in population databases (ExAC no frequency). This sequence change creates a premature translational stop signal (p.Gln301*) in the NR0B1 gene. It is expected to result in an absent or disrupted protein product.

Literature cited by the submitters: PubMed 7990958; PubMed 15841486.

NM_000475.5(NR0B1):c.901C>T (p.Gln301Ter)

Gene: NR0B1 (nuclear receptor subfamily 0 group B member 1; minus strand). Cytogenetic location: Xp21.2.
Variant type: single nucleotide variant.
Coding change: c.901C>T on transcript NM_000475.5 (MANE Select); coding-DNA position 901, C replaced by T.
Protein change: p.Gln301Ter; replaces glutamine 301 with a stop codon.
Molecular consequence: nonsense.
Genome position (GRCh38, 1-based): chrX:30,308,463, G>A on the plus strand (C>T on the coding strand, the complement: NR0B1 is on the minus strand). VCF-style: chrX-30308463-G-A. GRCh37 (hg19) VCF-style: chrX-30326580-G-A.
Other names: short protein forms Q301*.
Identifiers: ClinVar variation 460312 (VCV000460312.6), dbSNP rs1555973010, ClinGen allele CA412547374.